The following is an entry in ClinVar:

NM_004715.5(CTDP1):c.186G>C (p.Gly62=)

Gene: CTDP1 (CTD phosphatase subunit 1; plus strand). Cytogenetic location: 18q23.
Variant type: single nucleotide variant.
Coding change: c.186G>C on transcript NM_004715.5 (MANE Select); coding-DNA position 186, G replaced by C.
Protein change: p.Gly62=; no amino-acid change (glycine 62 retained).
Molecular consequence: synonymous variant.
Genome position (GRCh38, 1-based): chr18:79,680,133, G>C. VCF-style: chr18-79680133-G-C. GRCh37 (hg19) VCF-style: chr18-77440133-G-C.
Other names: p.Gly62=; c.186G>C, p.Gly62= (NM_001318511.2, NM_048368.4).
Identifiers: ClinVar variation 193290 (VCV000193290.15), dbSNP rs79644263, ClinGen allele CA200472.
Genomic context (GRCh38, chr18:79,680,133, plus strand): 5'-CGTGCGCATCGGCTCGGTGCTGGCCGTGTTCGAGGCCGCCGCCTCCGCGCAGTCCTCCGG[G>C]GCCTCTCAGTCCCGTGTAGCCTCCGGGGGCTGCGTGCGCCCCGCGCGGCCGGAACGCAGG-3'
Protein context (NP_004706.3, residues 52-72): FEAAASAQSS[Gly62=]ASQSRVASGG

ClinVar aggregate classification (germline): Benign. Review status: criteria provided, multiple submitters, no conflicts (2 of 4 stars). 5 submissions from 5 submitters: Benign (5). Last evaluated 2026-02-04.

Allele frequency attached by ClinVar (database versions not stated): gnomAD 0.05976 and 0.06269; TOPMed 0.06113; 1000 Genomes Project 0.08347; 1000 Genomes Project 30x 0.08214; gnomAD exomes 0.05206.

Submissions (5):

Labcorp Genetics (formerly Invitae), Labcorp
Classification: Benign. Last evaluated: 2026-02-04. Review status: criteria provided, single submitter. Criteria: Invitae Variant Classification Sherloc (09022015). Collection method: clinical testing. Allele origin: germline.

GeneDx
Classification: Benign. Last evaluated: 2018-04-12. Review status: criteria provided, single submitter. Criteria: GeneDx Variant Classification (06012015). Collection method: clinical testing. Allele origin: germline. Affected: yes.
Comment: This variant is considered likely benign or benign based on one or more of the following criteria: it is a conservative change, it occurs at a poorly conserved position in the protein, it is predicted to be benign by multiple in silico algorithms, and/or has population frequency not consistent with disease.

Mayo Clinic Laboratories, Mayo Clinic
Classification: Benign. Last evaluated: 2016-04-22. Review status: criteria provided, single submitter. Criteria: ACMG Guidelines, 2015. Collection method: clinical testing. Allele origin: germline. Observed: 294 variant alleles.

Eurofins Ntd Llc (ga)
Classification: Benign. Last evaluated: 2016-04-12. Review status: criteria provided, single submitter. Criteria: EGL Classification Definitions 2015. Collection method: clinical testing. Allele origin: germline. Observed: 10 variant alleles, 10 heterozygotes.

Breakthrough Genomics
Classification: Benign. Review status: criteria provided, single submitter. Criteria: ACMG Guidelines, 2015. Collection method: not provided. Allele origin: germline. Inheritance: Autosomal recessive inheritance. Affected: yes.